The following is an entry in ClinVar:

NM_002529.4(NTRK1):c.1720C>T (p.Arg574Cys)

Gene: NTRK1 (neurotrophic receptor tyrosine kinase 1; plus strand). Cytogenetic location: 1q23.1.
Variant type: single nucleotide variant.
Coding change: c.1720C>T on transcript NM_002529.4 (MANE Select); coding-DNA position 1720, C replaced by T.
Protein change: p.Arg574Cys; replaces arginine 574 with cysteine.
Molecular consequence: missense variant.
Genome position (GRCh38, 1-based): chr1:156,876,487, C>T. VCF-style: chr1-156876487-C-T. GRCh37 (hg19) VCF-style: chr1-156846279-C-T.
Other names: c.1612C>T, p.Arg538Cys (NM_001007792.1); c.1702C>T, p.Arg568Cys (NM_001012331.2); short protein forms R538C, R568C, R574C.
Identifiers: ClinVar variation 580184 (VCV000580184.10), dbSNP rs368806213, ClinGen allele CA31118816.

ClinVar aggregate classification (germline): Uncertain significance. Review status: criteria provided, single submitter (1 of 4 stars). 2 submissions from 2 submitters: Uncertain significance (1). 1 of the submissions does not count toward it. Last evaluated 2022-08-23.

Conditions:
Hereditary insensitivity to pain with anhidrosis (CIPA). Also called: INSENSITIVITY TO PAIN, CONGENITAL, WITH ANHIDROSIS; NEUROPATHY, CONGENITAL SENSORY, WITH ANHIDROSIS; HSAN Type IV; NTRK1 Congenital Insensitivity to Pain with Anhidrosis; hereditary sensory and autonomic neuropathy type 4; FAMILIAL DYSAUTONOMIA, TYPE II. Identifiers: Orphanet 642, MedGen C0020074, MONDO:0009746, OMIM 256800.

Allele frequency attached by ClinVar (database versions not stated): TOPMed 0.00002; gnomAD 0.00003 and 0.00004; ESP Exome Variant Server 0.00008.
gnomAD v4.1: 73 of 1,613,666 alleles (0.0045%); highest among the groups gnomAD compares: East Asian, 0.0089%; no homozygotes.

Submissions (2):

Labcorp Genetics (formerly Invitae), Labcorp
Classification: Uncertain significance for Hereditary insensitivity to pain with anhidrosis. Last evaluated: 2022-08-23. Review status: criteria provided, single submitter. Criteria: Invitae Variant Classification Sherloc (09022015). Collection method: clinical testing. Allele origin: germline.
Comment: This sequence change replaces arginine, which is basic and polar, with cysteine, which is neutral and slightly polar, at codon 568 of the NTRK1 protein (p.Arg568Cys). This variant is present in population databases (rs368806213, gnomAD 0.005%). This variant has not been reported in the literature in individuals affected with NTRK1-related conditions. ClinVar contains an entry for this variant (Variation ID: 580184). Advanced modeling of protein sequence and biophysical properties (such as structural, functional, and spatial information, amino acid conservation, physicochemical variation, residue mobility, and thermodynamic stability) performed at Invitae indicates that this missense variant is not expected to disrupt NTRK1 protein function. In summary, the available evidence is currently insufficient to determine the role of this variant in disease. Therefore, it has been classified as a Variant of Uncertain Significance.

Natera, Inc.
Classification: Uncertain significance for Hereditary insensitivity to pain with anhidrosis. Last evaluated: 2019-11-11. Review status: no assertion criteria provided. Collection method: clinical testing. Allele origin: germline. Not counted in ClinVar's aggregate classification.